The following is an entry in ClinVar:

ClinVar aggregate classification (germline): Conflicting classifications of pathogenicity. Review status: criteria provided, conflicting classifications (1 of 4 stars). 2 submissions from 2 submitters: Uncertain significance (1); Likely benign (1). Last evaluated 2023-02-02.

Conditions:
Supravalvar aortic stenosis (SVAS). Also called: Supravalvar aortic stenosis, Eisenberg type. Identifiers: Orphanet 3193, MedGen C0003499, MONDO:0008504, OMIM 185500, HP:0004381.

gnomAD v4.1: 12 of 1,614,094 alleles (0.00074%); highest among the groups gnomAD compares: African/African-American, 0.0093%; no homozygotes.

Submissions (2):

GeneDx
Classification: Uncertain significance. Last evaluated: 2023-02-02. Review status: criteria provided, single submitter. Criteria: GeneDx Variant Classification Process June 2021. Collection method: clinical testing. Allele origin: germline. Affected: yes.
Comment: Not observed at significant frequency in large population cohorts (gnomAD); In silico analysis supports that this missense variant has a deleterious effect on protein structure/function; Has not been previously published as pathogenic or benign to our knowledge; This variant is associated with the following publications: (PMID: 25388916, 23401415)

Labcorp Genetics (formerly Invitae), Labcorp
Classification: Likely benign for Supravalvar aortic stenosis. Last evaluated: 2022-06-06. Review status: criteria provided, single submitter. Criteria: Invitae Variant Classification Sherloc (09022015). Collection method: clinical testing. Allele origin: germline.

NM_000501.4(ELN):c.1741G>A (p.Gly581Arg)

Genes: ELN (elastin; plus strand), ELN-AS1 (ELN antisense RNA 1; minus strand). Cytogenetic location: 7q11.23.
Variant type: single nucleotide variant.
Coding change: c.1741G>A on transcript NM_000501.4 (MANE Select); coding-DNA position 1741, G replaced by A.
Protein change: p.Gly581Arg; replaces glycine 581 with arginine.
Molecular consequence: missense variant.
Genome position (GRCh38, 1-based): chr7:74,060,495, G>A. VCF-style: chr7-74060495-G-A. GRCh37 (hg19) VCF-style: chr7-73474825-G-A.
Other names: c.1741G>A (NM_000501.2); c.1654G>A, p.Gly552Arg (NM_001081752.3); c.1699G>A, p.Gly567Arg (NM_001081753.3); c.1756G>A, p.Gly586Arg (NM_001081754.3); c.1684G>A, p.Gly562Arg (NM_001081755.3); c.1741G>A, p.Gly581Arg (NM_001278912.2); c.1498G>A, p.Gly500Arg (NM_001278913.2); c.1669G>A, p.Gly557Arg (NM_001278914.2); and 5 more; short protein forms G492R, G562R, G587R, G557R, G586R, G610R, G533R, G567R.
Identifiers: ClinVar variation 2074756 (VCV002074756.7), dbSNP rs17855988, ClinGen allele CA367887005.
Genomic context (GRCh38, chr7:74,060,495, plus strand): 5'-GGACTTGGAGTTGGTGCTGGTGTTCCTGGACTTGGAGTTGGTGCTGGTGTTCCTGGCTTC[G>A]GGGCAGGTGCAGATGAGGGAGTTAGGCGGAGCCTGTCCCCTGAGCTCAGGGAAGGAGATC-3'
Protein context (NP_000492.2, residues 571-591): LGVGAGVPGF[Gly581Arg]AVPGALAAAK